The following is an entry in ClinVar:

ClinVar aggregate classification (germline): Uncertain significance (1 of 4 stars; one submission).

Conditions:
Cardiac arrhythmia. Also called: Arrhythmia; Cardiac rhythm disease. Identifiers: MedGen C0003811, MONDO:0007263, HP:0011675.

Submission:

Color Diagnostics, LLC DBA Color Health
Classification: Uncertain significance for Cardiac arrhythmia. Last evaluated: 2025-07-14. Review status: criteria provided, single submitter. Criteria: ACMG Guidelines, 2015. Collection method: clinical testing. Allele origin: germline.
Comment: This variant is located in the 5' untranslated region of the KCNH2 gene. To our knowledge, functional studies have not been reported for this variant. This variant has not been reported in individuals affected with KCNH2-related disorders in the literature. This variant has not been identified in the general population by the Genome Aggregation Database (gnomAD). The available evidence is insufficient to determine the role of this variant in disease conclusively. Therefore, this variant is classified as a Variant of Uncertain Significance.

NM_000238.4(KCNH2):c.-9G>C

Gene: KCNH2 (potassium voltage-gated channel subfamily H member 2; minus strand). Cytogenetic location: 7q36.1.
Variant type: single nucleotide variant.
Coding change: c.-9G>C on transcript NM_000238.4 (MANE Select); 9 bases upstream of the start codon, G replaced by C.
Molecular consequence: 5 prime UTR variant. On other transcripts: non-coding transcript variant (1).
Genome position (GRCh38, 1-based): chr7:150,977,922, C>G on the plus strand (G>C on the coding strand, the complement: KCNH2 is on the minus strand). VCF-style: chr7-150977922-C-G. GRCh37 (hg19) VCF-style: chr7-150675010-C-G.
Other names: c.-9G>C (NM_172056.3).
Identifiers: ClinVar variation 4758898 (VCV004758898.1).
Genomic context (GRCh38, chr7:150,977,922, plus strand): 5'-TGGTGTCCAGGAAGGTGTTCTGCGGCGCGACGTGGCCCCTCCGCACCGGCATCCTGAGCC[C>G]ATGGGCGGGCCGGGCGGGCCCCCACCCACCCCGGCCCGGCCCGGCCCAGCACTAGGCTTC-3'